The following is an entry in ClinVar:

NM_002460.4(IRF4):c.637+38T>C

Gene: IRF4 (interferon regulatory factor 4; plus strand). Cytogenetic location: 6p25.3.
Variant type: single nucleotide variant.
Coding change: c.637+38T>C on transcript NM_002460.4 (MANE Select); 38 bases into the intron after coding-DNA position 637, T replaced by C.
Molecular consequence: intron variant.
Genome position (GRCh38, 1-based): chr6:397,290, T>C. VCF-style: chr6-397290-T-C. GRCh37 (hg19) VCF-style: chr6-397290-T-C.
Other names: c.634+38T>C (NM_001195286.2).
Identifiers: ClinVar variation 1273692 (VCV001273692.3), dbSNP rs1775589, ClinGen allele CA3612759.

ClinVar aggregate classification (germline): Benign. Review status: criteria provided, multiple submitters, no conflicts (2 of 4 stars). 2 submissions from 2 submitters: Benign (2). Last evaluated 2024-01-24.

Allele frequency attached by ClinVar (database versions not stated): gnomAD exomes 0.14732 and 0.20662; ESP Exome Variant Server 0.18238; gnomAD 0.19855 and 0.20373; ExAC 0.20923; TOPMed 0.21625; 1000 Genomes Project 30x 0.31590; 1000 Genomes Project 0.32029.
gnomAD v4.1: 247,221 of 1,609,558 alleles (15%); highest among the groups gnomAD compares: East Asian, 51%; 25,132 homozygotes.

Submissions (2):

Unidad de Genómica Garrahan, Hospital de Pediatría Garrahan
Classification: Benign. Last evaluated: 2024-01-24. Review status: criteria provided, single submitter. Criteria: ACMG Guidelines, 2015. Collection method: clinical testing. Allele origin: germline. Affected: no. Observed: 50 variant alleles.
Comment: This variant is classified as Benign based on local population frequency. This variant was detected in 53% of patients studied by a panel of primary immunodeficiencies. Number of patients: 50. Only high quality variants are reported.

GeneDx
Classification: Benign. Last evaluated: 2018-11-12. Review status: criteria provided, single submitter. Criteria: GeneDx Variant Classification Process June 2021. Collection method: clinical testing. Allele origin: germline. Affected: yes.